The following is an entry in ClinVar:

ClinVar aggregate classification (germline): Uncertain significance (1 of 4 stars; one submission).

Conditions:
Schwartz-Jampel syndrome type 1 (SJS1). Also called: MYOTONIC MYOPATHY, DWARFISM, CHONDRODYSTROPHY, AND OCULAR AND FACIAL ABNORMALITIES; CHONDRODYSTROPHIC MYOTONIA. Identifiers: MedGen C4551479, MONDO:0100435, OMIM 255800.

Allele frequency attached by ClinVar (database versions not stated): gnomAD exomes below 0.00001; ExAC 0.00001; gnomAD 0.00001; TOPMed 0.00001.
gnomAD v4.1: 10 of 1,614,060 alleles (0.00062%); highest among the groups gnomAD compares: African/African-American, 0.0013%; no homozygotes.

Submission:

3billion
Classification: Uncertain significance for Schwartz-Jampel syndrome type 1. Last evaluated: 2022-05-22. Review status: criteria provided, single submitter. Criteria: ACMG Guidelines, 2015. Collection method: clinical testing. Allele origin: germline. Affected: yes. Observed: 1 heterozygote.
Comment: The variant is observed at an extremely low frequency in the gnomAD v2.1.1 dataset (total allele frequency: <0.001%). In silico tool predictions suggest damaging effect of the variant on gene or gene product (REVEL: 0.73; 3Cnet: 0.10). Therefore, this variant is classified as uncertain significanceaccording to the recommendation of ACMG/AMP guideline.

NM_005529.7(HSPG2):c.1762C>T (p.Arg588Cys)

Gene: HSPG2 (heparan sulfate proteoglycan 2; minus strand). Cytogenetic location: 1p36.12.
Variant type: single nucleotide variant.
Coding change: c.1762C>T on transcript NM_005529.7 (MANE Select); coding-DNA position 1762, C replaced by T.
Protein change: p.Arg588Cys; replaces arginine 588 with cysteine.
Molecular consequence: missense variant.
Genome position (GRCh38, 1-based): chr1:21,881,395, G>A on the plus strand (C>T on the coding strand, the complement: HSPG2 is on the minus strand). VCF-style: chr1-21881395-G-A. GRCh37 (hg19) VCF-style: chr1-22207888-G-A.
Other names: c.1765C>T, p.Arg589Cys (NM_001291860.2); short protein forms R588C, R589C.
Identifiers: ClinVar variation 1687314 (VCV001687314.1), dbSNP rs778444704, ClinGen allele CA673310.
Genomic context (GRCh38, chr1:21,881,395, plus strand): 5'-TCACCTTGTTGCCCAGGAACTGTTCAGGCAGAGCCCAGAAGGAGTCGTGGACGAGGAAGC[G>A]GCGGGACAGGTCGACTAGCTGGAACTCGTGCAGGGATGGGTCGATCTGCAGCTGCGTGGA-3'
Protein context (NP_005520.4, residues 578-598): HEFQLVDLSR[Arg588Cys]FLVHDSFWAL